The following is an entry in ClinVar:

ClinVar aggregate classification (germline): Conflicting classifications of pathogenicity. Review status: criteria provided, conflicting classifications (1 of 4 stars). 3 submissions from 3 submitters: Uncertain significance (2); Likely benign (1). Last evaluated 2024-12-12.

Conditions:
Radioulnar synostosis with amegakaryocytic thrombocytopenia 1 (RUSAT1). Also called: THROMBOCYTOPENIA, CONGENITAL, WITH RADIOULNAR SYNOSTOSIS. Identifiers: Orphanet 71289, MedGen C4551975, MONDO:0024558, OMIM 605432.

Allele frequency attached by ClinVar (database versions not stated): TOPMed 0.00018; gnomAD 0.00023 and 0.00024; ESP Exome Variant Server 0.00031; gnomAD exomes 0.00036 and 0.00039; ExAC 0.00040.

Submissions (3):

GeneDx
Classification: Uncertain significance. Last evaluated: 2024-12-12. Review status: criteria provided, single submitter. Criteria: GeneDx Variant Classification Process June 2021. Collection method: clinical testing. Allele origin: germline. Affected: yes.
Comment: In silico analysis supports that this missense variant has a deleterious effect on protein structure/function; Has not been previously published as pathogenic or benign to our knowledge; Variants in candidate genes are classified as variants of uncertain significance in accordance with ACMG guidelines (PMID: 25741868)

ARUP Laboratories, Molecular Genetics and Genomics, ARUP Laboratories
Classification: Uncertain significance for Radioulnar synostosis with amegakaryocytic thrombocytopenia 1. Last evaluated: 2024-10-17. Review status: criteria provided, single submitter. Criteria: ARUP Molecular Germline Variant Investigation Process 2024. Collection method: clinical testing. Allele origin: germline.
Comment: The HOXA11 c.152T>A; p.Leu51Gln variant (rs150569316), to our knowledge, is not reported in the medical literature but is reported in ClinVar (Variation ID: 1306559). This variant is found in the general population with an overall allele frequency of 0.04% (110/282,600 alleles) in the Genome Aggregation Database (v2.1.1). Computational analyses are uncertain whether this variant is neutral or deleterious (REVEL: 0.58). Due to limited information, the clinical significance of this variant is uncertain at this time.

Blueprint Genetics
Classification: Likely benign. Last evaluated: 2024-09-21. Review status: criteria provided, single submitter. Criteria: ACMG Guidelines, 2015. Collection method: clinical testing. Allele origin: germline.

NM_005523.6(HOXA11):c.152T>A (p.Leu51Gln)

Genes: HOXA11 (homeobox A11; minus strand), LOC107126281 (NUP98-HOXA11 recombination region; plus strand). Cytogenetic location: 7p15.2.
Variant type: single nucleotide variant.
Coding change: c.152T>A on transcript NM_005523.6 (MANE Select); coding-DNA position 152, T replaced by A.
Protein change: p.Leu51Gln; replaces leucine 51 with glutamine.
Molecular consequence: missense variant.
Genome position (GRCh38, 1-based): chr7:27,184,993, A>T on the plus strand (T>A on the coding strand, the complement: HOXA11 is on the minus strand). VCF-style: chr7-27184993-A-T. GRCh37 (hg19) VCF-style: chr7-27224612-A-T.
Other names: short protein forms L51Q.
Identifiers: ClinVar variation 1306559 (VCV001306559.5), dbSNP rs150569316, ClinGen allele CA4198489.